The following is an entry in ClinVar:

NM_001302371.3(NBPF10):c.10962C>T (p.Asp3654=)

Gene: NBPF10 (NBPF member 10; minus strand). Cytogenetic location: 1q21.1.
Variant type: single nucleotide variant.
Coding change: c.10962C>T on transcript NM_001302371.3 (MANE Select); coding-DNA position 10962, C replaced by T.
Protein change: p.Asp3654=; no amino-acid change (aspartic acid 3654 retained).
Molecular consequence: synonymous variant.
Genome position (GRCh38, 1-based): chr1:146,068,076, G>A on the plus strand (C>T on the coding strand, the complement: NBPF10 is on the minus strand). VCF-style: chr1-146068076-G-A. GRCh37 (hg19) VCF-style: chr1-145366926-C-T.
Other names: c.10455C>T, p.Asp3485= (NM_001039703.6).
Identifiers: ClinVar variation 3771206 (VCV003771206.13).
Genomic context (GRCh38, chr1:146,068,076, plus strand): 5'-AGCCAAGCCAAGGTACTGTTCCTCCAATGAGTAAACAGCACTGCTGTAGGGCTGGCCTAA[G>A]TCAGGCAGTTCAAGATAACCTGAAGGAGTCGAATAACATCTATCCAGTGAGTCCTGCAAG-3'
Protein context (NP_001289300.1, residues 3644-3664): STPSGYLELP[Asp3654=]LGQPYSSAVY

ClinVar aggregate classification (germline): Likely benign (1 of 4 stars; one submission).

Submission:

CeGaT Center for Human Genetics Tuebingen
Classification: Likely benign. Last evaluated: 2025-01-01. Review status: criteria provided, single submitter. Criteria: CeGaT Center For Human Genetics Tuebingen Variant Classification Criteria Version 2. Collection method: clinical testing. Allele origin: germline. Affected: yes. Observed: 1 variant allele.
Comment: NBPF10: BP4, BP7